The following is an entry in ClinVar:

NM_005956.4(MTHFD1):c.316G>T (p.Glu106Ter)

Gene: MTHFD1 (methylenetetrahydrofolate dehydrogenase, cyclohydrolase and formyltetrahydrofolate synthetase 1; plus strand). Cytogenetic location: 14q23.3.
Variant type: single nucleotide variant.
Coding change: c.316G>T on transcript NM_005956.4 (MANE Select); coding-DNA position 316, G replaced by T.
Protein change: p.Glu106Ter; replaces glutamic acid 106 with a stop codon.
Molecular consequence: nonsense.
Genome position (GRCh38, 1-based): chr14:64,415,433, G>T. VCF-style: chr14-64415433-G-T. GRCh37 (hg19) VCF-style: chr14-64882151-G-T.
Other names: c.316G>T, p.Glu106Ter (NM_001364837.1); short protein forms E106*.
Identifiers: ClinVar variation 2769546 (VCV002769546.3), dbSNP rs764919087, ClinGen allele CA7225902.
Genomic context (GRCh38, chr14:64,415,433, plus strand): 5'-ACATCTTTGAATGAAGACTCTACTGTACATGGGTTCTTAGTGCAGCTACCTTTAGATTCA[G>T]AGAATTCCATTAACACTGAAGAAGTGATCAATGCTATTGCACCCGAGAAGGATGTGGATG-3'

ClinVar aggregate classification (germline): Pathogenic (1 of 4 stars; one submission).

Allele frequency attached by ClinVar (database versions not stated): ExAC 0.00001; gnomAD exomes 0.00001.
gnomAD v4.1: 3 of 1,613,914 alleles (0.00019%); no homozygotes.

Submission:

Labcorp Genetics (formerly Invitae), Labcorp
Classification: Pathogenic. Last evaluated: 2023-10-17. Review status: criteria provided, single submitter. Criteria: Invitae Variant Classification Sherloc (09022015). Collection method: clinical testing. Allele origin: germline.
Comment: This sequence change creates a premature translational stop signal (p.Glu106*) in the MTHFD1 gene. It is expected to result in an absent or disrupted protein product. Loss-of-function variants in MTHFD1 are known to be pathogenic (PMID: 21813566, 25633902). This variant is present in population databases (rs764919087, gnomAD 0.004%). This variant has not been reported in the literature in individuals affected with MTHFD1-related conditions. For these reasons, this variant has been classified as Pathogenic.

Literature cited by the submitters: PubMed 21813566; PubMed 25633902.